The following is an entry in ClinVar:

ClinVar aggregate classification (germline): Benign/Likely benign. Review status: criteria provided, multiple submitters, no conflicts (2 of 4 stars). 4 submissions from 4 submitters: Benign (1); Likely benign (3). Last evaluated 2025-01-28.

Conditions:
Dilated cardiomyopathy 1KK (CMD1KK). Identifiers: Orphanet 154, Orphanet 75249, MedGen C3714995, MONDO:0014100, OMIM 615248.

Allele frequency attached by ClinVar (database versions not stated): gnomAD exomes 0.00003 and 0.00004; TOPMed 0.00003; gnomAD 0.00004 and 0.00005; ExAC 0.00005; ESP Exome Variant Server 0.00023.
gnomAD v4.1: 43 of 1,595,676 alleles (0.0027%); highest among the groups gnomAD compares: African/African-American, 0.016%; no homozygotes.

Submissions (4):

Labcorp Genetics (formerly Invitae), Labcorp
Classification: Likely benign for Dilated cardiomyopathy 1KK. Last evaluated: 2025-01-28. Review status: criteria provided, single submitter. Criteria: Invitae Variant Classification Sherloc (09022015). Collection method: clinical testing. Allele origin: germline.

Blueprint Genetics
Classification: Likely benign. Last evaluated: 2024-10-29. Review status: criteria provided, single submitter. Criteria: ACMG Guidelines, 2015. Collection method: clinical testing. Allele origin: germline.

Women's Health and Genetics/Laboratory Corporation of America, LabCorp
Classification: Likely benign. Last evaluated: 2024-02-04. Review status: criteria provided, single submitter. Criteria: LabCorp Variant Classification Summary - May 2015. Collection method: clinical testing. Allele origin: germline.

GeneDx
Classification: Benign. Last evaluated: 2015-09-21. Review status: criteria provided, single submitter. Criteria: GeneDx Variant Classification (06012015). Collection method: clinical testing. Allele origin: germline. Affected: yes.
Comment: This variant is considered likely benign or benign based on one or more of the following criteria: it is a conservative change, it occurs at a poorly conserved position in the protein, it is predicted to be benign by multiple in silico algorithms, and/or has population frequency not consistent with disease.

NM_032578.4(MYPN):c.1245+16C>T

Gene: MYPN (myopalladin; plus strand). Cytogenetic location: 10q21.3.
Variant type: single nucleotide variant.
Coding change: c.1245+16C>T on transcript NM_032578.4 (MANE Select); 16 bases into the intron after coding-DNA position 1245, C replaced by T.
Molecular consequence: intron variant.
Genome position (GRCh38, 1-based): chr10:68,148,483, C>T. VCF-style: chr10-68148483-C-T. GRCh37 (hg19) VCF-style: chr10-69908240-C-T.
Other names: c.1245+16C>T (NM_001256267.2); c.363+16C>T (NM_001256268.2).
Identifiers: ClinVar variation 378224 (VCV000378224.7), dbSNP rs377456805, ClinGen allele CA5522484.